The following is an entry in ClinVar:

ClinVar aggregate classification (germline): Uncertain significance (1 of 4 stars; one submission).

Submission:

GeneDx
Classification: Uncertain significance. Last evaluated: 2023-12-01. Review status: criteria provided, single submitter. Criteria: GeneDx Variant Classification Process June 2021. Collection method: clinical testing. Allele origin: germline. Affected: yes.
Comment: Not observed at significant frequency in large population cohorts (gnomAD); In silico analysis supports that this missense variant does not alter protein structure/function; Has not been previously published as pathogenic or benign to our knowledge

NM_003611.3(OFD1):c.214G>C (p.Gly72Arg)

Gene: OFD1 (OFD1 centriole and centriolar satellite protein; plus strand). Cytogenetic location: Xp22.2.
Variant type: single nucleotide variant.
Coding change: c.214G>C on transcript NM_003611.3 (MANE Select); coding-DNA position 214, G replaced by C.
Protein change: p.Gly72Arg; replaces glycine 72 with arginine.
Molecular consequence: missense variant. On other transcripts: 5 prime UTR variant (1).
Genome position (GRCh38, 1-based): chrX:13,736,580, G>C. VCF-style: chrX-13736580-G-C. GRCh37 (hg19) VCF-style: chrX-13754699-G-C.
Other names: c.214G>C, p.Gly72Arg (NM_001330209.2); c.-332G>C (NM_001330210.2); short protein forms G72R.
Identifiers: ClinVar variation 3365291 (VCV003365291.1).